The following is an entry in ClinVar:

NM_004380.3(CREBBP):c.5672G>A (p.Gly1891Glu)

Gene: CREBBP (CREB binding lysine acetyltransferase; minus strand). Cytogenetic location: 16p13.3.
Variant type: single nucleotide variant.
Coding change: c.5672G>A on transcript NM_004380.3 (MANE Select); coding-DNA position 5672, G replaced by A.
Protein change: p.Gly1891Glu; replaces glycine 1891 with glutamic acid.
Molecular consequence: missense variant.
Genome position (GRCh38, 1-based): chr16:3,729,375, C>T on the plus strand (G>A on the coding strand, the complement: CREBBP is on the minus strand). VCF-style: chr16-3729375-C-T. GRCh37 (hg19) VCF-style: chr16-3779376-C-T.
Other names: c.5558G>A, p.Gly1853Glu (NM_001079846.1); short protein forms G1853E, G1891E.
Identifiers: ClinVar variation 3347674 (VCV003347674.1).

ClinVar aggregate classification (germline): Uncertain significance (0 of 4 stars; one submission).

Conditions:
CREBBP-related disorder. Also called: CREBBP-related condition; CREBBP-related disorders.

gnomAD v4.1: 1 of 1,608,888 alleles (0.000062%); highest among the groups gnomAD compares: Non-Finnish European, 0.000085%; no homozygotes.

Submission:

PreventionGenetics, part of Exact Sciences
Classification: Uncertain significance for CREBBP-related condition. Last evaluated: 2024-06-25. Review status: no assertion criteria provided. Collection method: clinical testing. Allele origin: germline.
Comment: The CREBBP c.5672G>A variant is predicted to result in the amino acid substitution p.Gly1891Glu. To our knowledge, this variant has not been reported in the literature or in a large population database, indicating this variant is rare. At this time, the clinical significance of this variant is uncertain due to the absence of conclusive functional and genetic evidence.